The following is an entry in ClinVar:

NM_016213.5(TRIP4):c.908G>A (p.Arg303Gln)

Gene: TRIP4 (thyroid hormone receptor interactor 4; plus strand). Cytogenetic location: 15q22.31.
Variant type: single nucleotide variant.
Coding change: c.908G>A on transcript NM_016213.5 (MANE Select); coding-DNA position 908, G replaced by A.
Protein change: p.Arg303Gln; replaces arginine 303 with glutamine.
Molecular consequence: missense variant. On other transcripts: non-coding transcript variant (1).
Genome position (GRCh38, 1-based): chr15:64,409,693, G>A. VCF-style: chr15-64409693-G-A. GRCh37 (hg19) VCF-style: chr15-64701892-G-A.
Other names: c.218G>A, p.Arg73Gln (NM_001321924.2); short protein forms R303Q, R73Q.
Identifiers: ClinVar variation 2084139 (VCV002084139.1), dbSNP rs748995821, ClinGen allele CA7609499.
Genomic context (GRCh38, chr15:64,409,693, plus strand): 5'-TTGATGATGAGTCAGATTACTTTGCCAGTGATTCTAACCAATGGTTGTCCAAACTTGAGC[G>A]GGAAACCTTGCAGAAGCGAGAGGAGGAGCTGAGAGAACTTCGACACGCCTCTCGACTTTC-3'
Protein context (NP_057297.2, residues 293-313): DSNQWLSKLE[Arg303Gln]ETLQKREEEL

ClinVar aggregate classification (germline): Uncertain significance (1 of 4 stars; one submission).

Allele frequency attached by ClinVar (database versions not stated): TOPMed 0.00003; gnomAD 0.00004; gnomAD exomes 0.00004; ExAC 0.00014.
gnomAD v4.1: 73 of 1,614,010 alleles (0.0045%); highest among the groups gnomAD compares: Admixed American, 0.018%; no homozygotes.

Submission:

Labcorp Genetics (formerly Invitae), Labcorp
Classification: Uncertain significance. Last evaluated: 2022-01-15. Review status: criteria provided, single submitter. Criteria: Invitae Variant Classification Sherloc (09022015). Collection method: clinical testing. Allele origin: germline.
Comment: This sequence change replaces arginine, which is basic and polar, with glutamine, which is neutral and polar, at codon 303 of the TRIP4 protein (p.Arg303Gln). This variant is present in population databases (rs748995821, gnomAD 0.03%). This variant has not been reported in the literature in individuals affected with TRIP4-related conditions. Algorithms developed to predict the effect of missense changes on protein structure and function (SIFT, PolyPhen-2, Align-GVGD) all suggest that this variant is likely to be disruptive. Algorithms developed to predict the effect of sequence changes on RNA splicing suggest that this variant may create or strengthen a splice site. In summary, the available evidence is currently insufficient to determine the role of this variant in disease. Therefore, it has been classified as a Variant of Uncertain Significance.